The following is an entry in ClinVar:

NM_001165963.4(SCN1A):c.4359T>G (p.Tyr1453Ter)

Genes: SCN1A (sodium voltage-gated channel alpha subunit 1; minus strand), LOC102724058 (uncharacterized LOC102724058; plus strand). Cytogenetic location: 2q24.3.
Variant type: single nucleotide variant.
Coding change: c.4359T>G on transcript NM_001165963.4 (MANE Select); coding-DNA position 4359, T replaced by G.
Protein change: p.Tyr1453Ter; replaces tyrosine 1453 with a stop codon.
Molecular consequence: nonsense. On other transcripts: non-coding transcript variant (1).
Genome position (GRCh38, 1-based): chr2:165,998,155, A>C on the plus strand (T>G on the coding strand, the complement: SCN1A is on the minus strand). VCF-style: chr2-165998155-A-C. GRCh37 (hg19) VCF-style: chr2-166854665-A-C.
Other names: c.4275T>G, p.Tyr1425Ter (NM_001165964.3, NM_001353957.2, NM_001353958.2); c.4359T>G, p.Tyr1453Ter (NM_001202435.3, NM_001353948.2); c.4326T>G, p.Tyr1442Ter (NM_001353949.2, NM_001353950.2, NM_001353951.2 and 2 more transcripts); c.4323T>G, p.Tyr1441Ter (NM_001353954.2, NM_001353955.2); c.4272T>G, p.Tyr1424Ter (NM_001353960.2); c.1917T>G, p.Tyr639Ter (NM_001353961.2); short protein forms Y1424*, Y1425*, Y1441*, Y1442*, Y1453*, Y639*.
Identifiers: ClinVar variation 1070504 (VCV001070504.8), dbSNP rs1573984787, ClinGen allele CA349049470.
Genomic context (GRCh38, chr2:165,998,155, plus strand): 5'-GAAGAAGGACCCAAAGATGATGAAAATAACAAAGTAAAGATACATGTACAGACTTTCTTC[A>C]TACTTAGGCTGGAGTTCCACCTACCAAAGGGGAATATTTTGTAAAATATTACCATACATT-3'

ClinVar aggregate classification (germline): Pathogenic (1 of 4 stars; one submission).

Conditions:
Early-infantile DEE. Also called: Ohtahara syndrome; Early infantile epileptic encephalopathy with suppression bursts; Early infantile epileptic encephalopathy. Identifiers: Orphanet 1934, MedGen C0393706, MONDO:0800491.

Submission:

Labcorp Genetics (formerly Invitae), Labcorp
Classification: Pathogenic for Early-infantile DEE. Last evaluated: 2023-03-02. Review status: criteria provided, single submitter. Criteria: Invitae Variant Classification Sherloc (09022015). Collection method: clinical testing. Allele origin: germline.
Comment: For these reasons, this variant has been classified as Pathogenic. ClinVar contains an entry for this variant (Variation ID: 1070504). This premature translational stop signal has been observed in individual(s) with Dravet syndrome (PMID: 18930999). This variant is not present in population databases (gnomAD no frequency). This sequence change creates a premature translational stop signal (p.Tyr1453*) in the SCN1A gene. It is expected to result in an absent or disrupted protein product. Loss-of-function variants in SCN1A are known to be pathogenic (PMID: 17347258, 18930999).

Literature cited by the submitters: PubMed 18930999; PubMed 17347258.